The following is an entry in ClinVar:

ClinVar aggregate classification (germline): Uncertain significance (1 of 4 stars; one submission).

gnomAD v4.1: 5 of 1,614,096 alleles (0.00031%); highest among the groups gnomAD compares: Non-Finnish European, 0.00042%; no homozygotes.

Submission:

Labcorp Genetics (formerly Invitae), Labcorp
Classification: Uncertain significance. Last evaluated: 2024-11-03. Review status: criteria provided, single submitter. Criteria: Invitae Variant Classification Sherloc (09022015). Collection method: clinical testing. Allele origin: germline.
Comment: This sequence change replaces proline, which is neutral and non-polar, with alanine, which is neutral and non-polar, at codon 73 of the MS4A1 protein (p.Pro73Ala). This variant is present in population databases (rs143621504, gnomAD 0.002%). This variant has not been reported in the literature in individuals affected with MS4A1-related conditions. An algorithm developed to predict the effect of missense changes on protein structure and function (PolyPhen-2) suggests that this variant is likely to be disruptive. In summary, the available evidence is currently insufficient to determine the role of this variant in disease. Therefore, it has been classified as a Variant of Uncertain Significance.

NM_152866.3(MS4A1):c.217C>G (p.Pro73Ala)

Gene: MS4A1 (membrane spanning 4-domains A1; plus strand). Cytogenetic location: 11q12.2.
Variant type: single nucleotide variant.
Coding change: c.217C>G on transcript NM_152866.3 (MANE Select); coding-DNA position 217, C replaced by G.
Protein change: p.Pro73Ala; replaces proline 73 with alanine.
Molecular consequence: missense variant.
Genome position (GRCh38, 1-based): chr11:60,463,059, C>G. VCF-style: chr11-60463059-C-G. GRCh37 (hg19) VCF-style: chr11-60230532-C-G.
Other names: c.217C>G, p.Pro73Ala (NM_021950.4, NM_152867.2); short protein forms P73A.
Identifiers: ClinVar variation 3685714 (VCV003685714.2).